The following is an entry in ClinVar:

NM_004958.4(MTOR):c.6742G>T (p.Ala2248Ser)

Gene: MTOR (mechanistic target of rapamycin kinase; minus strand). Cytogenetic location: 1p36.22.
Variant type: single nucleotide variant.
Coding change: c.6742G>T on transcript NM_004958.4 (MANE Select); coding-DNA position 6742, G replaced by T.
Protein change: p.Ala2248Ser; replaces alanine 2248 with serine.
Molecular consequence: missense variant.
Genome position (GRCh38, 1-based): chr1:11,122,047, C>A on the plus strand (G>T on the coding strand, the complement: MTOR is on the minus strand). VCF-style: chr1-11122047-C-A. GRCh37 (hg19) VCF-style: chr1-11182104-C-A.
Other names: c.6742G>T, p.Ala2248Ser (NM_001386500.1); c.5494G>T, p.Ala1832Ser (NM_001386501.1); short protein forms A1832S, A2248S.
Identifiers: ClinVar variation 4703029 (VCV004703029.1).

ClinVar aggregate classification (germline): Uncertain significance (1 of 4 stars; one submission).

gnomAD v4.1: 6 of 1,614,194 alleles (0.00037%); highest among the groups gnomAD compares: East Asian, 0.013%; no homozygotes.

Submission:

Labcorp Genetics (formerly Invitae), Labcorp
Classification: Uncertain significance. Last evaluated: 2025-06-19. Review status: criteria provided, single submitter. Criteria: Invitae Variant Classification Sherloc (09022015). Collection method: clinical testing. Allele origin: germline.
Comment: This sequence change replaces alanine, which is neutral and non-polar, with serine, which is neutral and polar, at codon 2248 of the MTOR protein (p.Ala2248Ser). This variant is present in population databases (rs181023452, gnomAD 0.02%). This variant has not been reported in the literature in individuals affected with MTOR-related conditions. Invitae Evidence Modeling of protein sequence and biophysical properties (such as structural, functional, and spatial information, amino acid conservation, physicochemical variation, residue mobility, and thermodynamic stability) indicates that this missense variant is not expected to disrupt MTOR protein function with a negative predictive value of 95%. In summary, the available evidence is currently insufficient to determine the role of this variant in disease. Therefore, it has been classified as a Variant of Uncertain Significance.